The following is an entry in ClinVar:

NM_012203.2(GRHPR):c.454dup (p.Thr152fs)

Gene: GRHPR (glyoxylate and hydroxypyruvate reductase; plus strand). Cytogenetic location: 9p13.2.
Variant type: Duplication.
Coding change: c.454dup on transcript NM_012203.2 (MANE Select); coding-DNA position 454, one base duplicated (A; older notation c.454dupA).
Protein change: p.Thr152fs; shifts the reading frame from threonine 152.
Molecular consequence: frameshift variant.
Genome position (GRCh38, 1-based): chr9:37,428,533, A duplicated. VCF-style (leftmost placement, unchanged base first): chr9-37428532-C-CA. GRCh37 (hg19) VCF-style: chr9-37428529-C-CA.
Other names: c.454dupA (NM_012203.2); short protein forms T152fs.
Identifiers: ClinVar variation 371016 (VCV000371016.18), dbSNP rs771019056, ClinGen allele CA5059056.

ClinVar aggregate classification (germline): Pathogenic. Review status: criteria provided, multiple submitters, no conflicts (2 of 4 stars). 6 submissions from 6 submitters: Pathogenic (5). 1 of the submissions does not count toward it. Last evaluated 2025-08-07.

Conditions:
GRHPR-related disorders.
Primary hyperoxaluria, type II (HP2). Also called: D-GLYCERATE DEHYDROGENASE DEFICIENCY; GLYCERIC ACIDURIA; GLYOXYLATE REDUCTASE/HYDROXYPYRUVATE REDUCTASE DEFICIENCY; OXALOSIS II; Primary hyperoxaluria type 2. Identifiers: Orphanet 416, Orphanet 93599, MedGen C0268165, MONDO:0009824, OMIM 260000. Disease mechanism: loss of function.

Allele frequency attached by ClinVar (database versions not stated): gnomAD 0.00001; gnomAD exomes 0.00001; ExAC 0.00002; TOPMed 0.00002.

Submissions (6):

Labcorp Genetics (formerly Invitae), Labcorp
Classification: Pathogenic. Last evaluated: 2025-08-07. Review status: criteria provided, single submitter. Criteria: Invitae Variant Classification Sherloc (09022015). Collection method: clinical testing. Allele origin: germline.
Comment: This sequence change creates a premature translational stop signal (p.Thr152Asnfs*39) in the GRHPR gene. It is expected to result in an absent or disrupted protein product. Loss-of-function variants in GRHPR are known to be pathogenic (PMID: 25644115). This variant is present in population databases (rs771019056, gnomAD 0.002%). This premature translational stop signal has been observed in individuals with primary hyperoxaluria (PMID: 25644115, 28569194). ClinVar contains an entry for this variant (Variation ID: 371016). For these reasons, this variant has been classified as Pathogenic.

Laboratory of Genetics, Children's Clinical University Hospital Latvia
Classification: Pathogenic. Last evaluated: 2025-02-16. Review status: criteria provided, single submitter. Criteria: ACMG Guidelines, 2015. Collection method: clinical testing. Allele origin: germline. Affected: yes.

Natera, Inc.
Classification: Pathogenic for Primary hyperoxaluria type II. Last evaluated: 2024-11-17. Review status: criteria provided, single submitter. Criteria: Natera Variant Classification Schema (03/2026). Collection method: clinical testing. Allele origin: germline.
Comment: The c.454dupA variant in GRHPR is a frameshift variant predicted to shift the reading frame beginning at codon 152 and leads to a stop codon 39 codons downstream. This variant is expected to result in nonsense mediated decay, truncation, or a dysfunctional protein product. This variant is rare in the general population with a frequency below the threshold expected for the associated phenotype(s). This variant has been observed in one or more individuals affected with the associated recessive disease, as either homozygous or compound heterozygous with a second variant (PMID: 33274618). Additionally, this variant has been observed to segregate in affected family members (PMID: 33274618). Given the available evidence, this variant is classified as Pathogenic.

Blueprint Genetics
Classification: Pathogenic for GRHPR-related disorders. Last evaluated: 2024-08-02. Review status: criteria provided, single submitter. Criteria: ACMG Guidelines, 2015. Collection method: clinical testing. Allele origin: germline. Affected: yes. Observed: 3 variant alleles.

Fulgent Genetics
Classification: Pathogenic for Primary hyperoxaluria, type II. Last evaluated: 2024-06-03. Review status: criteria provided, single submitter. Criteria: ACMG Guidelines, 2015. Collection method: clinical testing. Allele origin: germline.

Counsyl
Classification: Likely pathogenic for Primary hyperoxaluria, type II. Last evaluated: 2016-06-06. Review status: no assertion criteria provided. Collection method: clinical testing. Allele origin: unknown. Not counted in ClinVar's aggregate classification.

Literature cited by the submitters: PubMed 25644115 (cited by Labcorp Genetics (formerly Invitae), Labcorp and Counsyl); PubMed 28569194 (cited by Labcorp Genetics (formerly Invitae), Labcorp); PubMed 33274618 (cited by Natera, Inc.).